The following is an entry in ClinVar:

ClinVar aggregate classification (germline): Uncertain significance. Review status: criteria provided, multiple submitters, no conflicts (2 of 4 stars). 2 submissions from 2 submitters: Uncertain significance (2). Last evaluated 2025-09-02.

Conditions:
Inborn genetic diseases. Identifiers: MedGen C0950123, MeSH D030342.

Allele frequency attached by ClinVar (database versions not stated): gnomAD exomes 0.00001; ExAC 0.00005; gnomAD 0.00005; TOPMed 0.00005; ESP Exome Variant Server 0.00008.

Submissions (2):

Labcorp Genetics (formerly Invitae), Labcorp
Classification: Uncertain significance. Last evaluated: 2025-09-02. Review status: criteria provided, single submitter. Criteria: Invitae Variant Classification Sherloc (09022015). Collection method: clinical testing. Allele origin: germline.
Comment: This sequence change replaces arginine, which is basic and polar, with cysteine, which is neutral and slightly polar, at codon 538 of the DOCK6 protein (p.Arg538Cys). This variant is present in population databases (rs375086730, gnomAD 0.03%). This variant has not been reported in the literature in individuals affected with DOCK6-related conditions. ClinVar contains an entry for this variant (Variation ID: 2210712). Invitae Evidence Modeling of protein sequence and biophysical properties (such as structural, functional, and spatial information, amino acid conservation, physicochemical variation, residue mobility, and thermodynamic stability) indicates that this missense variant is not expected to disrupt DOCK6 protein function with a negative predictive value of 80%. In summary, the available evidence is currently insufficient to determine the role of this variant in disease. Therefore, it has been classified as a Variant of Uncertain Significance.

Ambry Genetics
Classification: Uncertain significance for Inborn genetic diseases. Last evaluated: 2021-09-30. Review status: criteria provided, single submitter. Criteria: Ambry Variant Classification Scheme 2023. Collection method: clinical testing. Allele origin: germline.

NM_020812.4(DOCK6):c.1612C>T (p.Arg538Cys)

Gene: DOCK6 (dedicator of cytokinesis 6; minus strand). Cytogenetic location: 19p13.2.
Variant type: single nucleotide variant.
Coding change: c.1612C>T on transcript NM_020812.4 (MANE Select); coding-DNA position 1612, C replaced by T.
Protein change: p.Arg538Cys; replaces arginine 538 with cysteine.
Molecular consequence: missense variant.
Genome position (GRCh38, 1-based): chr19:11,242,076, G>A on the plus strand (C>T on the coding strand, the complement: DOCK6 is on the minus strand). VCF-style: chr19-11242076-G-A. GRCh37 (hg19) VCF-style: chr19-11352752-G-A.
Other names: c.1612C>T, p.Arg538Cys (NM_001367830.1); short protein forms R538C.
Identifiers: ClinVar variation 2210712 (VCV002210712.3), dbSNP rs375086730, ClinGen allele CA9208084.